The following is an entry in ClinVar:

NM_004415.4(DSP):c.2075C>T (p.Pro692Leu)

Gene: DSP (desmoplakin; plus strand). Cytogenetic location: 6p24.3.
Variant type: single nucleotide variant.
Coding change: c.2075C>T on transcript NM_004415.4 (MANE Select); coding-DNA position 2075, C replaced by T.
Protein change: p.Pro692Leu; replaces proline 692 with leucine.
Molecular consequence: missense variant.
Genome position (GRCh38, 1-based): chr6:7,572,013, C>T. VCF-style: chr6-7572013-C-T. GRCh37 (hg19) VCF-style: chr6-7572246-C-T.
Other names: c.2075C>T (LRG_423t1); c.2075C>T, p.Pro692Leu (NM_001008844.3, NM_001319034.2); short protein forms P692L.
Identifiers: ClinVar variation 574459 (VCV000574459.10), dbSNP rs1561690890, ClinGen allele CA362680500.

ClinVar aggregate classification (germline): Conflicting classifications of pathogenicity. Review status: criteria provided, conflicting classifications (1 of 4 stars). 4 submissions from 4 submitters: Uncertain significance (3); Likely benign (1). Last evaluated 2023-12-13.

Conditions:
Arrhythmogenic cardiomyopathy with wooly hair and keratoderma. Also called: PALMOPLANTAR KERATODERMA WITH LEFT VENTRICULAR CARDIOMYOPATHY AND WOOLLY HAIR; Arrhythmogenic cardiomyopathy with woolly hair and keratoderma; Carvajal syndrome; Dilated cardiomyopathy with woolly hair and keratoderma. Identifiers: Orphanet 65282, MedGen C1854063, MONDO:0011581, OMIM 605676.
Arrhythmogenic right ventricular dysplasia 8 (ARVD8). Also called: Arrhythmogenic Right Ventricular Dysplasia/Cardiomyopathy 8; ARRHYTHMOGENIC RIGHT VENTRICULAR DYSPLASIA, FAMILIAL, 8; ARRHYTHMOGENIC RIGHT VENTRICULAR CARDIOMYOPATHY 8. Identifiers: MedGen C1843896, MONDO:0011831, OMIM 607450.
Lethal acantholytic epidermolysis bullosa (EBLA). Identifiers: Orphanet 158687, MedGen C1864826, MONDO:0012323, OMIM 609638.
Woolly hair-skin fragility syndrome (WHSF). Identifiers: Orphanet 293165, MedGen C1843292, MONDO:0957307, OMIM 620415.
Cardiomyopathy, dilated, with wooly hair, keratoderma, and tooth agenesis. Also called: Cardiomyopathy, dilated, with woolly hair, keratoderma, and tooth agenesis; Erythrokeratodermia-cardiomyopathy syndrome. Identifiers: Orphanet 476096, Orphanet 65282, MedGen C4014393, MONDO:0014355, OMIM 615821.
Keratosis palmoplantaris striata 2. Also called: Keratosis palmoplantaris striata II; KERATODERMA, PALMOPLANTAR, STRIATE FORM II; STRIATE PALMOPLANTAR KERATODERMA II. Identifiers: MedGen C1852127, MONDO:0013034, OMIM 612908.
Cardiovascular phenotype. Identifiers: MedGen CN230736.

Allele frequency attached by ClinVar (database versions not stated): TOPMed below 0.00001; gnomAD exomes 0.00001.
gnomAD v4.1: 5 of 1,614,162 alleles (0.00031%); highest among the groups gnomAD compares: Non-Finnish European, 0.00034%; no homozygotes.

Submissions (4):

All of Us Research Program, National Institutes of Health
Classification: Uncertain significance for Arrhythmogenic cardiomyopathy with wooly hair and keratoderma. Last evaluated: 2023-12-13. Review status: criteria provided, single submitter. Criteria: ACMG Guidelines, 2015. Collection method: clinical testing. Allele origin: germline. Inheritance: Autosomal dominant inheritance. Observed: 1 variant allele, 1 heterozygote.
Comment: This missense variant replaces proline with leucine at codon 692 of the DSP protein. Computational prediction suggests that this variant may not impact protein structure and function (internally defined REVEL score threshold <= 0.5, PMID: 27666373). To our knowledge, functional studies have not been reported for this variant. This variant has not been reported in individuals affected with DSP-related disorders in the literature. This variant has not been identified in the general population by the Genome Aggregation Database (gnomAD). The available evidence is insufficient to determine the role of this variant in disease conclusively. Therefore, this variant is classified as a Variant of Uncertain Significance.

This study involves interpretation of variants in research participants for the purpose of population health screening. Participant phenotype was not available at the time of variant classification. Additional details can be found in publication PMID: 35346344, PMCID: PMC8962531

Labcorp Genetics (formerly Invitae), Labcorp
Classification: Uncertain significance for Arrhythmogenic cardiomyopathy with wooly hair and keratoderma; Arrhythmogenic right ventricular dysplasia 8. Last evaluated: 2023-09-26. Review status: criteria provided, single submitter. Criteria: Invitae Variant Classification Sherloc (09022015). Collection method: clinical testing. Allele origin: germline.
Comment: In summary, the available evidence is currently insufficient to determine the role of this variant in disease. Therefore, it has been classified as a Variant of Uncertain Significance. Algorithms developed to predict the effect of missense changes on protein structure and function output the following: SIFT: "Not Available"; PolyPhen-2: "Benign"; Align-GVGD: "Not Available". The leucine amino acid residue is found in multiple mammalian species, which suggests that this missense change does not adversely affect protein function. ClinVar contains an entry for this variant (Variation ID: 574459). This variant has not been reported in the literature in individuals affected with DSP-related conditions. This variant is not present in population databases (gnomAD no frequency). This sequence change replaces proline, which is neutral and non-polar, with leucine, which is neutral and non-polar, at codon 692 of the DSP protein (p.Pro692Leu).

Ambry Genetics
Classification: Likely benign for Cardiovascular phenotype. Last evaluated: 2022-07-14. Review status: criteria provided, single submitter. Criteria: Ambry Variant Classification Scheme 2023. Collection method: clinical testing. Allele origin: germline.

Fulgent Genetics
Classification: Uncertain significance for Arrhythmogenic cardiomyopathy with wooly hair and keratoderma; Arrhythmogenic right ventricular dysplasia 8; Lethal acantholytic epidermolysis bullosa; Keratosis palmoplantaris striata 2; Cardiomyopathy, dilated, with wooly hair, keratoderma, and tooth agenesis. Last evaluated: 2021-07-14. Review status: criteria provided, single submitter. Criteria: ACMG Guidelines, 2015. Collection method: clinical testing. Allele origin: unknown.